The following is an entry in ClinVar:

ClinVar aggregate classification (germline): Pathogenic (1 of 4 stars; one submission).

Conditions:
Hereditary cancer-predisposing syndrome. Also called: Hereditary Cancer Syndrome; Neoplastic Syndromes, Hereditary; Hereditary neoplastic syndrome; Tumor predisposition. Identifiers: Orphanet 140162, MedGen C0027672, MeSH D009386, MONDO:0015356.

Submission:

Ambry Genetics
Classification: Pathogenic for Hereditary cancer-predisposing syndrome. Last evaluated: 2015-06-10. Review status: criteria provided, single submitter. Criteria: Ambry Variant Classification Scheme 2023. Collection method: clinical testing. Allele origin: germline.
Comment: The c.1251_1252delAA pathogenic mutation, located in coding exon 13 of the RB1 gene, results from a deletion of two nucleotides between positions 1251 and 1252, causing a translational frameshift with a predicted alternate stop codon. In addition to the clinical data presented in the literature, this alteration is expected to result in loss of function by premature protein truncation or nonsense-mediated mRNA decay. As such, this alteration is interpreted as a disease-causing mutation.

Literature cited by the submitters: PubMed 17960112.

NM_000321.3(RB1):c.1251_1252del (p.Arg418fs)

Gene: RB1 (RB transcriptional corepressor 1; plus strand). Cytogenetic location: 13q14.2.
Variant type: Deletion.
Coding change: c.1251_1252del on transcript NM_000321.3 (MANE Select); coding-DNA positions 1251 to 1252, 2 bases deleted (AA; older notation c.1251_1252delAA).
Protein change: p.Arg418fs; shifts the reading frame from arginine 418.
Molecular consequence: frameshift variant.
Genome position (GRCh38, 1-based): chr13:48,376,953-48,376,954, AA deleted; deleting any 2 consecutive bases within chr13:48,376,951-48,376,954 gives the same sequence; the c. name uses the placement nearest the transcript's 3' end. VCF-style (leftmost placement, unchanged base first): chr13-48376950-GAA-G. GRCh37 (hg19) VCF-style: chr13-48951086-GAA-G.
Other names: c.1251_1252delAA (NM_000321.2); short protein forms R418fs.
Identifiers: ClinVar variation 428712 (VCV000428712.5), dbSNP rs1131690889, ClinGen allele CA645369544.